The following is an entry in ClinVar:

NM_001048166.1(STIL):c.1024-4T>C

Gene: STIL (STIL centriolar assembly protein; minus strand). Cytogenetic location: 1p33.
Variant type: single nucleotide variant.
Coding change: c.1024-4T>C on transcript NM_001048166.1 (MANE Select); 4 bases into the intron before coding-DNA position 1024, T replaced by C.
Molecular consequence: intron variant.
Genome position (GRCh38, 1-based): chr1:47,287,664, A>G on the plus strand (T>C on the coding strand, the complement: STIL is on the minus strand). VCF-style: chr1-47287664-A-G. GRCh37 (hg19) VCF-style: chr1-47753336-A-G.
Other names: c.1024-4T>C (NM_003035.2, NM_001282937.1, NM_001282936.1); c.883-4T>C (NM_001282939.1, NM_001282938.1).
Identifiers: ClinVar variation 160047 (VCV000160047.20), dbSNP rs188900275, ClinGen allele CA272654.
Genomic context (GRCh38, chr1:47,287,664, plus strand): 5'-TTGGCTTTCAGCGCTCAGTTCACAACGGATTGGATTTTTGTCAGGAGGTTCAACATTCTG[A>G]AATGAAGTAGGTCATATTTTGAGATCTGACTTAAATAAGAACACCAGAGAATTCTATTTA-3'

ClinVar aggregate classification (germline): Conflicting classifications of pathogenicity. Review status: criteria provided, conflicting classifications (1 of 4 stars). 4 submissions from 4 submitters: Uncertain significance (1); Benign (1); Likely benign (2). Last evaluated 2025-10-22.

Allele frequency attached by ClinVar (database versions not stated): gnomAD exomes 0.00016 and 0.00051; 1000 Genomes Project 30x 0.00125; 1000 Genomes Project 0.00140; gnomAD 0.00213 and 0.00229; TOPMed 0.00240; ExAC 0.00063; ESP Exome Variant Server 0.00254.
gnomAD v4.1: 568 of 1,609,692 alleles (0.035%); highest among the groups gnomAD compares: African/African-American, 0.69%; 1 homozygote.

Submissions (4):

Labcorp Genetics (formerly Invitae), Labcorp
Classification: Benign. Last evaluated: 2025-10-22. Review status: criteria provided, single submitter. Criteria: Invitae Variant Classification Sherloc (09022015). Collection method: clinical testing. Allele origin: germline.

Eurofins Ntd Llc (ga)
Classification: Uncertain significance. Last evaluated: 2017-08-16. Review status: criteria provided, single submitter. Criteria: EGL Classification Definitions 2015. Collection method: clinical testing. Allele origin: germline. Observed: 1 variant allele, 1 heterozygote.

Genetic Services Laboratory, University of Chicago
Classification: Likely benign. Last evaluated: 2016-04-15. Review status: criteria provided, single submitter. Criteria: ACMG Guidelines, 2015. Collection method: clinical testing. Allele origin: germline. Affected: no.

GeneDx
Classification: Likely benign. Last evaluated: 2016-01-04. Review status: criteria provided, single submitter. Criteria: GeneDx Variant Classification (06012015). Collection method: clinical testing. Allele origin: germline. Affected: yes.
Comment: This variant is considered likely benign or benign based on one or more of the following criteria: it is a conservative change, it occurs at a poorly conserved position in the protein, it is predicted to be benign by multiple in silico algorithms, and/or has population frequency not consistent with disease.